The following is an entry in ClinVar:

ClinVar aggregate classification (germline): Pathogenic (1 of 4 stars; one submission).

Conditions:
Familial thoracic aortic aneurysm and aortic dissection (TAAD). Also called: Thoracic aortic aneurysms and dissections. Identifiers: Orphanet 91387, MedGen C4707243, MONDO:0019625.
Marfan syndrome (MFS). Also called: FBN1-Related Marfan Syndrome; Marfan's syndrome; MARFAN SYNDROME, TYPE I; Marfan syndrome type 1; Marfan syndrome, classic. Identifiers: Orphanet 284963, Orphanet 558, MedGen C0024796, MONDO:0007947, OMIM 154700.

Submission:

Labcorp Genetics (formerly Invitae), Labcorp
Classification: Pathogenic for Marfan syndrome; Familial thoracic aortic aneurysm and aortic dissection. Last evaluated: 2019-11-19. Review status: criteria provided, single submitter. Criteria: Invitae Variant Classification Sherloc (09022015). Collection method: clinical testing. Allele origin: germline.
Comment: For these reasons, this variant has been classified as Pathogenic. This variant affects a cysteine residue in the EGF-like, TGFBP or hybrid motif domains of FBN1. Cysteine residues are believed to be involved in intramolecular disulfide bridges and have been shown to be important for FBN1 protein structure (PMID: 16905551, 19349279). In addition, missense substitutions affecting cysteine residues within these domains are significantly overrepresented among patients with Marfan syndrome (PMID: 16571647, 17701892). Algorithms developed to predict the effect of missense changes on protein structure and function are either unavailable or do not agree on the potential impact of this missense change (SIFT: "Deleterious"; PolyPhen-2: "Probably Damaging"; Align-GVGD: "Class C0"). This variant has been observed in individual(s) with clinical features of Marfan syndrome (PMID: 17657824, Invitae). This variant is not present in population databases (ExAC no frequency). This sequence change replaces cysteine with tyrosine at codon 2302 of the FBN1 protein (p.Cys2302Tyr). The cysteine residue is highly conserved and there is a large physicochemical difference between cysteine and tyrosine.

Literature cited by the submitters: PubMed 16905551; PubMed 19349279; PubMed 16571647; PubMed 17701892; PubMed 17657824.

NM_000138.5(FBN1):c.6905G>A (p.Cys2302Tyr)

Gene: FBN1 (fibrillin 1; minus strand). Cytogenetic location: 15q21.1.
Variant type: single nucleotide variant.
Coding change: c.6905G>A on transcript NM_000138.5 (MANE Select); coding-DNA position 6905, G replaced by A.
Protein change: p.Cys2302Tyr; replaces cysteine 2302 with tyrosine.
Molecular consequence: missense variant.
Genome position (GRCh38, 1-based): chr15:48,428,438, C>T on the plus strand (G>A on the coding strand, the complement: FBN1 is on the minus strand). VCF-style: chr15-48428438-C-T. GRCh37 (hg19) VCF-style: chr15-48720635-C-T.
Other names: short protein forms C2302Y.
Identifiers: ClinVar variation 856730 (VCV000856730.9), dbSNP rs2042998789, ClinGen allele CA392330804.